The following is an entry in ClinVar:

NM_000548.5(TSC2):c.5369T>A (p.Val1790Glu)

Gene: TSC2 (TSC complex subunit 2; plus strand). Cytogenetic location: 16p13.3.
Variant type: single nucleotide variant.
Coding change: c.5369T>A on transcript NM_000548.5 (MANE Select); coding-DNA position 5369, T replaced by A.
Protein change: p.Val1790Glu; replaces valine 1790 with glutamic acid.
Molecular consequence: missense variant.
Genome position (GRCh38, 1-based): chr16:2,088,555, T>A. VCF-style: chr16-2088555-T-A. GRCh37 (hg19) VCF-style: chr16-2138556-T-A.
Other names: c.5168T>A, p.Val1723Glu (NM_001077183.3); c.5300T>A, p.Val1767Glu (NM_001114382.3); c.5060T>A, p.Val1687Glu (NM_001318827.2); c.5024T>A, p.Val1675Glu (NM_001318829.2); c.4637T>A, p.Val1546Glu (NM_001318831.2); c.5201T>A, p.Val1734Glu (NM_001318832.2); c.5171T>A, p.Val1724Glu (NM_001363528.2); c.5237T>A, p.Val1746Glu (NM_001370404.1); and 2 more; short protein forms V1546E, V1743E, V1767E, V1790E, V1675E, V1687E, V1723E, V1724E.
Identifiers: ClinVar variation 1492857 (VCV001492857.8), dbSNP rs1596464243, ClinGen allele CA394315914.
Genomic context (GRCh38, chr16:2,088,555, plus strand): 5'-CTCCGTCCCATAGCAAAGCCCCTGCACAGACTCCAGCCGAGCCCACACCTGGCTATGAGG[T>A]GGGCCAGCGGAAGCGCCTCATCTCCTCGGTGGAGGACTTCACCGAGTTTGTGTGAGGCCG-3'
Protein context (NP_000539.2, residues 1780-1800): TPAEPTPGYE[Val1790Glu]GQRKRLISSV

ClinVar aggregate classification (germline): Uncertain significance (1 of 4 stars; one submission).

Conditions:
Tuberous sclerosis 2 (TSC2). Identifiers: Orphanet 805, MedGen C1860707, MONDO:0013199, OMIM 613254.

Submission:

Labcorp Genetics (formerly Invitae), Labcorp
Classification: Uncertain significance for Tuberous sclerosis 2. Last evaluated: 2021-06-30. Review status: criteria provided, single submitter. Criteria: Invitae Variant Classification Sherloc (09022015). Collection method: clinical testing. Allele origin: germline.
Comment: In summary, the available evidence is currently insufficient to determine the role of this variant in disease. Therefore, it has been classified as a Variant of Uncertain Significance. Advanced modeling of protein sequence and biophysical properties (such as structural, functional, and spatial information, amino acid conservation, physicochemical variation, residue mobility, and thermodynamic stability) performed at Invitae indicates that this missense variant is not expected to disrupt TSC2 protein function. This sequence change replaces valine with glutamic acid at codon 1790 of the TSC2 protein (p.Val1790Glu). The valine residue is weakly conserved and there is a moderate physicochemical difference between valine and glutamic acid. This variant is not present in population databases (ExAC no frequency). This variant has not been reported in the literature in individuals affected with TSC2-related conditions.